The following is an entry in ClinVar:

NM_006648.4(WNK2):c.3593G>T (p.Gly1198Val)

Gene: WNK2 (WNK lysine deficient protein kinase 2; plus strand). Cytogenetic location: 9q22.31.
Variant type: single nucleotide variant.
Coding change: c.3593G>T on transcript NM_006648.4 (MANE Select); coding-DNA position 3593, G replaced by T.
Protein change: p.Gly1198Val; replaces glycine 1198 with valine.
Molecular consequence: missense variant.
Genome position (GRCh38, 1-based): chr9:93,263,930, G>T. VCF-style: chr9-93263930-G-T. GRCh37 (hg19) VCF-style: chr9-96026212-G-T.
Other names: c.3593G>T, p.Gly1198Val (NM_001282394.3); short protein forms G1198V.
Identifiers: ClinVar variation 3982099 (VCV003982099.1).

ClinVar aggregate classification (germline): Uncertain significance (1 of 4 stars; one submission).

Submission:

Ambry Genetics
Classification: Uncertain significance. Last evaluated: 2025-05-23. Review status: criteria provided, single submitter. Criteria: Ambry Variant Classification Scheme 2023. Collection method: clinical testing. Allele origin: germline.
Comment: The p.G1198V variant (also known as c.3593G>T), located in coding exon 15 of the WNK2 gene, results from a G to T substitution at nucleotide position 3593. The glycine at codon 1198 is replaced by valine, an amino acid with dissimilar properties. This amino acid position is conserved. In addition, this alteration is predicted to be deleterious by in silico analysis. Based on the available evidence, the clinical significance of this variant remains unclear.